The following is an entry in ClinVar:

NM_080680.3(COL11A2):c.4241G>T (p.Gly1414Val)

Gene: COL11A2 (collagen type XI alpha 2 chain; minus strand). Cytogenetic location: 6p21.32.
Variant type: single nucleotide variant.
Coding change: c.4241G>T on transcript NM_080680.3 (MANE Select); coding-DNA position 4241, G replaced by T.
Protein change: p.Gly1414Val; replaces glycine 1414 with valine.
Molecular consequence: missense variant.
Genome position (GRCh38, 1-based): chr6:33,166,817, C>A on the plus strand (G>T on the coding strand, the complement: COL11A2 is on the minus strand). VCF-style: chr6-33166817-C-A. GRCh37 (hg19) VCF-style: chr6-33134594-C-A.
Other names: c.4061G>T, p.Gly1354Val (NM_001424108.1); c.3395G>T, p.Gly1132Val (NM_001424109.1); c.3215G>T, p.Gly1072Val (NM_001424110.1, NM_001424111.1); c.2195G>T, p.Gly732Val (NM_001424112.1); c.3920G>T, p.Gly1307Val (NM_080679.3); c.3983G>T, p.Gly1328Val (NM_080681.3); short protein forms G1354V, G1132V, G1307V, G1328V, G732V, G1414V, G1072V.
Identifiers: ClinVar variation 2859113 (VCV002859113.3), dbSNP rs1480679012, ClinGen allele CA363621443.

ClinVar aggregate classification (germline): Uncertain significance (1 of 4 stars; one submission).

Submission:

Labcorp Genetics (formerly Invitae), Labcorp
Classification: Uncertain significance. Last evaluated: 2023-05-31. Review status: criteria provided, single submitter. Criteria: Invitae Variant Classification Sherloc (09022015). Collection method: clinical testing. Allele origin: germline.
Comment: This sequence change replaces glycine, which is neutral and non-polar, with valine, which is neutral and non-polar, at codon 1414 of the COL11A2 protein (p.Gly1414Val). This variant is not present in population databases (gnomAD no frequency). This variant has not been reported in the literature in individuals affected with COL11A2-related conditions. Advanced modeling of protein sequence and biophysical properties (such as structural, functional, and spatial information, amino acid conservation, physicochemical variation, residue mobility, and thermodynamic stability) performed at Invitae indicates that this missense variant is expected to disrupt COL11A2 protein function. In summary, the available evidence is currently insufficient to determine the role of this variant in disease. Therefore, it has been classified as a Variant of Uncertain Significance.